The following is an entry in ClinVar:

NM_052947.4(ALPK2):c.3481T>C (p.Ser1161Pro)

Gene: ALPK2 (alpha kinase 2; minus strand). Cytogenetic location: 18q21.31.
Variant type: single nucleotide variant.
Coding change: c.3481T>C on transcript NM_052947.4 (MANE Select); coding-DNA position 3481, T replaced by C.
Protein change: p.Ser1161Pro; replaces serine 1161 with proline.
Molecular consequence: missense variant.
Genome position (GRCh38, 1-based): chr18:58,536,706, A>G on the plus strand (T>C on the coding strand, the complement: ALPK2 is on the minus strand). VCF-style: chr18-58536706-A-G. GRCh37 (hg19) VCF-style: chr18-56203938-A-G.
Other names: short protein forms S1161P.
Identifiers: ClinVar variation 1731853 (VCV001731853.3), dbSNP rs2518876410, ClinGen allele CA402566732.
Genomic context (GRCh38, chr18:58,536,706, plus strand): 5'-CCCTAGAGCTTGCGGGTGAGTGGGCCGTGGGCACCAAGTTTCTTTCCTCTTGTGCAGCAG[A>G]TGTCGTAGGCAAACTTTGTTGGAAATCAGGTGCAGAAAGAGAACCCTGCTGGGACAGGCT-3'
Protein context (NP_443179.3, residues 1151-1171): PDFQQSLPTT[Ser1161Pro]AAQEERNLVP

ClinVar aggregate classification (germline): Uncertain significance (1 of 4 stars; one submission).

Submission:

Ambry Genetics
Classification: Uncertain significance. Last evaluated: 2024-06-16. Review status: criteria provided, single submitter. Criteria: Ambry Variant Classification Scheme 2023. Collection method: clinical testing. Allele origin: germline.
Comment: The p.S1161P variant (also known as c.3481T>C), located in coding exon 4 of the ALPK2 gene, results from a T to C substitution at nucleotide position 3481. The serine at codon 1161 is replaced by proline, an amino acid with similar properties. This amino acid position is conserved. In addition, this alteration is predicted to be tolerated by in silico analysis. Since supporting evidence is limited at this time, the clinical significance of this alteration remains unclear.